The following is an entry in ClinVar:

ClinVar aggregate classification (germline): Conflicting classifications of pathogenicity. Review status: criteria provided, conflicting classifications (1 of 4 stars). 3 submissions from 3 submitters: Likely pathogenic (1); Uncertain significance (2). Last evaluated 2025-04-21.

Conditions:
Cardiovascular phenotype. Identifiers: MedGen CN230736.
Cutis laxa, autosomal recessive, type 1B (ARCL1B). Also called: CUTIS LAXA, AUTOSOMAL RECESSIVE, TYPE IB; EFEMP2-Related Cutis Laxa. Identifiers: Orphanet 90349, MedGen C3280798, MONDO:0013754, OMIM 614437. Disease mechanism: loss of function.

Allele frequency attached by ClinVar (database versions not stated): gnomAD exomes below 0.00001; gnomAD 0.00001; 1000 Genomes Project 30x 0.00016; 1000 Genomes Project 0.00020.

Submissions (3):

Women's Health and Genetics/Laboratory Corporation of America, LabCorp
Classification: Uncertain significance. Last evaluated: 2025-04-21. Review status: criteria provided, single submitter. Criteria: LabCorp Variant Classification Summary - May 2015. Collection method: clinical testing. Allele origin: germline.
Comment: Variant summary: EFEMP2 c.247C>T (p.Arg83Cys) results in a non-conservative amino acid change located in the EGF-like calcium-binding domain (IPR001881) of the encoded protein sequence. Five of five in-silico tools predict a damaging effect of the variant on protein function. The variant allele was found at a frequency of 8e-06 in 251460 control chromosomes. c.247C>T has been observed in two individuals in one family affected with Thoracic Aortic Aneurysm (Sadeghipour_2023). These data indicate that the variant may be associated with disease. To our knowledge, no experimental evidence demonstrating an impact on protein function has been reported. The following publication have been ascertained in the context of this evaluation (PMID: 38113391). ClinVar contains an entry for this variant (Variation ID: 2430241). Based on the evidence outlined above, the variant was classified as VUS-possibly pathogenic.

Ambry Genetics
Classification: Uncertain significance for Cardiovascular phenotype. Last evaluated: 2025-03-13. Review status: criteria provided, single submitter. Criteria: Ambry Variant Classification Scheme 2023. Collection method: clinical testing. Allele origin: germline.
Comment: The p.R83C variant (also known as c.247C>T), located in coding exon 3 of the EFEMP2 gene, results from a C to T substitution at nucleotide position 247. The arginine at codon 83 is replaced by cysteine, an amino acid with highly dissimilar properties. This variant was reported as heterozygous in individual(s) with features consistent with thoracic aortic aneurysm and dissection (TAAD) (Sadeghipour P et al. Lab Med, 2024 Jul;55:447-453). This amino acid position is highly conserved in available vertebrate species. In addition, this alteration is predicted to be deleterious by in silico analysis. Based on the available evidence, the clinical significance of this variant remains unclear.

Rajaie Cardiovascular, Medical and Research Center, Iran University of Medical Sciences
Classification: Likely pathogenic for Cutis laxa, autosomal recessive, type 1B. Review status: criteria provided, single submitter. Criteria: ACMG Guidelines, 2015. Collection method: research. Allele origin: germline. Inheritance: Autosomal dominant inheritance. Affected: yes. Observed: 1 heterozygote.

Literature cited by the submitters: PubMed 38113391 (cited by Women's Health and Genetics/Laboratory Corporation of America, LabCorp and Ambry Genetics).

NM_016938.5(EFEMP2):c.247C>T (p.Arg83Cys)

Gene: EFEMP2 (EGF-like fibulin extracellular matrix protein 2; minus strand). Cytogenetic location: 11q13.1.
Variant type: single nucleotide variant.
Coding change: c.247C>T on transcript NM_016938.5 (MANE Select); coding-DNA position 247, C replaced by T.
Protein change: p.Arg83Cys; replaces arginine 83 with cysteine.
Molecular consequence: missense variant. On other transcripts: non-coding transcript variant (1).
Genome position (GRCh38, 1-based): chr11:65,871,277, G>A on the plus strand (C>T on the coding strand, the complement: EFEMP2 is on the minus strand). VCF-style: chr11-65871277-G-A. GRCh37 (hg19) VCF-style: chr11-65638748-G-A.
Other names: c.247C>T (NM_016938.4); short protein forms R83C.
Identifiers: ClinVar variation 2430241 (VCV002430241.5), dbSNP rs554639118, ClinGen allele CA223978526.